The following is an entry in ClinVar:

NM_001035.3(RYR2):c.8467C>T (p.Pro2823Ser)

Gene: RYR2 (ryanodine receptor 2; plus strand). Cytogenetic location: 1q43.
Variant type: single nucleotide variant.
Coding change: c.8467C>T on transcript NM_001035.3 (MANE Select); coding-DNA position 8467, C replaced by T.
Protein change: p.Pro2823Ser; replaces proline 2823 with serine.
Molecular consequence: missense variant.
Genome position (GRCh38, 1-based): chr1:237,666,542, C>T. VCF-style: chr1-237666542-C-T. GRCh37 (hg19) VCF-style: chr1-237829842-C-T.
Other names: short protein forms P2823S.
Identifiers: ClinVar variation 1172165 (VCV001172165.3), dbSNP rs2148872770, ClinGen allele CA345402101.

ClinVar aggregate classification (germline): Uncertain significance (1 of 4 stars; one submission).

Conditions:
Cardiomyopathy (CMYO). Also called: Cardiomyopathies. Identifiers: Orphanet 167848, MedGen C0878544, MONDO:0004994, HP:0001638. Inheritance: Various modes of inheritance.

Submission:

Color Diagnostics, LLC DBA Color Health
Classification: Uncertain significance for Cardiomyopathy. Last evaluated: 2024-03-06. Review status: criteria provided, single submitter. Criteria: ACMG Guidelines, 2015. Collection method: clinical testing. Allele origin: germline.
Comment: This missense variant replaces proline with serine at codon 2823 of the RYR2 protein. Computational prediction suggests that this variant may have deleterious impact on protein structure and function (internally defined REVEL score threshold >= 0.7, PMID: 27666373). To our knowledge, functional studies have not been reported for this variant. This variant has not been reported in individuals affected with cardiovascular disorders in the literature. This variant has not been identified in the general population by the Genome Aggregation Database (gnomAD). The available evidence is insufficient to determine the role of this variant in disease conclusively. Therefore, this variant is classified as a Variant of Uncertain Significance.